The following is an entry in ClinVar:

NM_000136.3(FANCC):c.188G>C (p.Arg63Thr)

Gene: FANCC (FA complementation group C; minus strand). Cytogenetic location: 9q22.32.
Variant type: single nucleotide variant.
Coding change: c.188G>C on transcript NM_000136.3 (MANE Select); coding-DNA position 188, G replaced by C.
Protein change: p.Arg63Thr; replaces arginine 63 with threonine.
Molecular consequence: missense variant.
Genome position (GRCh38, 1-based): chr9:95,247,494, C>G on the plus strand (G>C on the coding strand, the complement: FANCC is on the minus strand). VCF-style: chr9-95247494-C-G. GRCh37 (hg19) VCF-style: chr9-98009776-C-G.
Other names: c.188G>C, p.Arg63Thr (NM_001243743.2, NM_001243744.2); short protein forms R63T.
Identifiers: ClinVar variation 820225 (VCV000820225.6), dbSNP rs1588350373, ClinGen allele CA374340118.

ClinVar aggregate classification (germline): Uncertain significance. Review status: criteria provided, multiple submitters, no conflicts (2 of 4 stars). 2 submissions from 2 submitters: Uncertain significance (2). Last evaluated 2023-12-02.

Conditions:
Hereditary cancer-predisposing syndrome. Also called: Neoplastic Syndromes, Hereditary; Tumor predisposition; Hereditary Cancer Syndrome; Hereditary neoplastic syndrome. Identifiers: Orphanet 140162, MedGen C0027672, MeSH D009386, MONDO:0015356.
Fanconi anemia (FA). Also called: Fanconi's anemia. Identifiers: Orphanet 84, MedGen C0015625, MeSH D005199, MONDO:0019391.

Allele frequency attached by ClinVar (database versions not stated): gnomAD exomes 0.00001.
gnomAD v4.1: 9 of 1,613,372 alleles (0.00056%); highest among the groups gnomAD compares: Non-Finnish European, 0.00076%; no homozygotes.

Submissions (2):

Ambry Genetics
Classification: Uncertain significance for Hereditary cancer-predisposing syndrome. Last evaluated: 2023-12-02. Review status: criteria provided, single submitter. Criteria: Ambry Variant Classification Scheme 2023. Collection method: clinical testing. Allele origin: germline.
Comment: The p.R63T variant (also known as c.188G>C), located in coding exon 2 of the FANCC gene, results from a G to C substitution at nucleotide position 188. The arginine at codon 63 is replaced by threonine, an amino acid with similar properties. This amino acid position is not well conserved in available vertebrate species. In addition, this alteration is predicted to be tolerated by in silico analysis. Since supporting evidence is limited at this time, the clinical significance of this alteration remains unclear.

Labcorp Genetics (formerly Invitae), Labcorp
Classification: Uncertain significance for Fanconi anemia. Last evaluated: 2021-08-30. Review status: criteria provided, single submitter. Criteria: Invitae Variant Classification Sherloc (09022015). Collection method: clinical testing. Allele origin: germline.
Comment: This sequence change replaces arginine with threonine at codon 63 of the FANCC protein (p.Arg63Thr). The arginine residue is moderately conserved and there is a moderate physicochemical difference between arginine and threonine. This variant is not present in population databases (ExAC no frequency). This variant has not been reported in the literature in individuals affected with FANCC-related conditions. ClinVar contains an entry for this variant (Variation ID: 820225). Algorithms developed to predict the effect of missense changes on protein structure and function (SIFT, PolyPhen-2, Align-GVGD) all suggest that this variant is likely to be tolerated. In summary, the available evidence is currently insufficient to determine the role of this variant in disease. Therefore, it has been classified as a Variant of Uncertain Significance.